The following is an entry in ClinVar:

ClinVar aggregate classification (germline): Conflicting classifications of pathogenicity. Review status: criteria provided, conflicting classifications (1 of 4 stars). 2 submissions from 2 submitters: Likely pathogenic (1); Uncertain significance (1). Last evaluated 2026-09-14.

Conditions:
TNC-related disorder. Also called: TNC-related condition.
Autosomal dominant nonsyndromic hearing loss 56. Also called: Deafness, autosomal dominant 56. Identifiers: Orphanet 90635, MedGen C3810170, MONDO:0014283, OMIM 615629.

Allele frequency attached by ClinVar (database versions not stated): TOPMed 0.00017; gnomAD 0.00018; 1000 Genomes Project 0.00020; ExAC 0.00024; gnomAD exomes 0.00024; 1000 Genomes Project 30x 0.00031; ESP Exome Variant Server 0.00031.
gnomAD v4.1: 370 of 1,614,148 alleles (0.023%); highest among the groups gnomAD compares: Non-Finnish European, 0.028%; no homozygotes.

Submissions (2):

PreventionGenetics, part of Exact Sciences
Classification: Uncertain significance for TNC-related condition. Last evaluated: 2026-09-14. Review status: criteria provided, single submitter. Criteria: ACMG Guidelines, 2015. Collection method: clinical testing. Allele origin: germline.
Comment: The TNC c.323G>A variant is predicted to result in the amino acid substitution p.Arg108His. This variant was reported as de novo in an individual with Rubinstein-Taybi syndrome who also had a de novo variant in CREBBP that likely explains the patient's disorder (Yoo et al. 2015. PubMed ID: 25768348). This variant is reported in 0.087% of alleles in individuals of Ashkenazi Jewish descent in gnomAD. At this time, the clinical significance of this variant is uncertain due to the absence of conclusive functional and genetic evidence.

Laboratory of Prof. Karen Avraham, Tel Aviv University
Classification: Likely pathogenic for Autosomal dominant nonsyndromic hearing loss 56. Last evaluated: 2024-06-10. Review status: criteria provided, single submitter. Criteria: ACMG Guidelines, 2015. Collection method: research. Allele origin: germline. Affected: yes. Observed: 2 variant alleles.
Comment: Likely pathogenic by Deafness Variation Datatbase based on PMID: 25768348

DFNA56; high-tone HL

NM_002160.4(TNC):c.323G>A (p.Arg108His)

Gene: TNC (tenascin C; minus strand). Cytogenetic location: 9q33.1.
Variant type: single nucleotide variant.
Coding change: c.323G>A on transcript NM_002160.4 (MANE Select); coding-DNA position 323, G replaced by A.
Protein change: p.Arg108His; replaces arginine 108 with histidine.
Molecular consequence: missense variant.
Genome position (GRCh38, 1-based): chr9:115,090,696, C>T on the plus strand (G>A on the coding strand, the complement: TNC is on the minus strand). VCF-style: chr9-115090696-C-T. GRCh37 (hg19) VCF-style: chr9-117852975-C-T.
Other names: c.323G>A (NM_002160.3); c.323G>A, p.Arg108His (NM_001410991.1); short protein forms R108H.
Identifiers: ClinVar variation 3250407 (VCV003250407.3), dbSNP rs151119387.